The following is an entry in ClinVar:

ClinVar aggregate classification (germline): Uncertain significance (1 of 4 stars; one submission).

Conditions:
Hypertrophic cardiomyopathy. Also called: HYPERTROPHIC MYOCARDIOPATHY. Identifiers: Orphanet 217569, MedGen C0007194, MeSH D002312, MONDO:0005045, HP:0001639.

Submission:

Labcorp Genetics (formerly Invitae), Labcorp
Classification: Uncertain significance for Hypertrophic cardiomyopathy. Last evaluated: 2024-12-02. Review status: criteria provided, single submitter. Criteria: Invitae Variant Classification Sherloc (09022015). Collection method: clinical testing. Allele origin: germline.
Comment: This sequence change replaces arginine, which is basic and polar, with serine, which is neutral and polar, at codon 652 of the MYH7 protein (p.Arg652Ser). This variant also falls at the last nucleotide of exon 17, which is part of the consensus splice site for this exon. This variant is not present in population databases (gnomAD no frequency). This missense change has been observed in individual(s) with hypertrophic cardiomyopathy (PMID: 32815737). ClinVar contains an entry for this variant (Variation ID: 852988). An algorithm developed to predict the effect of missense changes on protein structure and function (PolyPhen-2) suggests that this variant is likely to be disruptive. Variants that disrupt the consensus splice site are a relatively common cause of aberrant splicing (PMID: 17576681, 9536098). This variant is found within a region of MYH7 between codons 181 and 937 that contains the majority of the myosin head domain. Missense variants in this region have been shown to be significantly overrepresented in individuals with hypertrophic cardiomyopathy (PMID: 27532257). In summary, the available evidence is currently insufficient to determine the role of this variant in disease. Therefore, it has been classified as a Variant of Uncertain Significance.

Literature cited by the submitters: PubMed 32815737; PubMed 17576681; PubMed 9536098; PubMed 27532257.

NM_000257.4(MYH7):c.1956G>C (p.Arg652Ser)

Gene: MYH7 (myosin heavy chain 7; minus strand). Cytogenetic location: 14q11.2.
Variant type: single nucleotide variant.
Coding change: c.1956G>C on transcript NM_000257.4 (MANE Select); coding-DNA position 1956, G replaced by C.
Protein change: p.Arg652Ser; replaces arginine 652 with serine.
Molecular consequence: missense variant.
Genome position (GRCh38, 1-based): chr14:23,427,240, C>G on the plus strand (G>C on the coding strand, the complement: MYH7 is on the minus strand). VCF-style: chr14-23427240-C-G. GRCh37 (hg19) VCF-style: chr14-23896449-C-G.
Other names: short protein forms R652S.
Identifiers: ClinVar variation 852988 (VCV000852988.9), dbSNP rs1892728325, ClinGen allele CA389049458.
Genomic context (GRCh38, chr14:23,427,240, plus strand): 5'-GGGGCTGGGTGGGGTTGGGCAGATGGGGAGCCAAGTTGGCTGGGGCTGTGTCCCACTCAC[C>G]CTGTGCAGAGCTGACACAGTCTGAAAGGACGAGCCTTTCTTGGCCTTGCCTTTGCCCTTC-3'
Protein context (NP_000248.2, residues 642-662): SSFQTVSALH[Arg652Ser]ENLNKLMTNL